The following is an entry in ClinVar:

NM_152641.4(ARID2):c.3714A>G (p.Lys1238=)

Gene: ARID2 (AT-rich interaction domain 2; plus strand). Cytogenetic location: 12q12.
Variant type: single nucleotide variant.
Coding change: c.3714A>G on transcript NM_152641.4 (MANE Select); coding-DNA position 3714, A replaced by G.
Protein change: p.Lys1238=; no amino-acid change (lysine 1238 retained).
Molecular consequence: synonymous variant.
Genome position (GRCh38, 1-based): chr12:45,851,837, A>G. VCF-style: chr12-45851837-A-G. GRCh37 (hg19) VCF-style: chr12-46245620-A-G.
Other names: c.3714A>G, p.Lys1238= (NM_001347839.2).
Identifiers: ClinVar variation 3031070 (VCV003031070.2), dbSNP rs375876217, ClinGen allele CA6526520.
Genomic context (GRCh38, chr12:45,851,837, plus strand): 5'-AGCCACTCAAGCATCTCCTGCTGGACAATCATCATGTACTACTGCTACTCCCCCATTCAA[A>G]GGTGATAAAATAATTTGCCAAAAGGAGGAGGAAGCAAAGGAAGCAACAGGTTTACATGTT-3'
Protein context (NP_689854.2, residues 1228-1248): SSCTTATPPF[Lys1238=]GDKIICQKEE

ClinVar aggregate classification (germline): Likely benign (0 of 4 stars; one submission).

Conditions:
ARID2-related disorder. Also called: ARID2-related condition.

Allele frequency attached by ClinVar (database versions not stated): gnomAD exomes 0.00002; ExAC 0.00007; gnomAD 0.00011; ESP Exome Variant Server 0.00031.
gnomAD v4.1: 44 of 1,614,040 alleles (0.0027%); highest among the groups gnomAD compares: African/African-American, 0.037%; no homozygotes.

Submission:

PreventionGenetics, part of Exact Sciences
Classification: Likely benign for ARID2-related condition. Last evaluated: 2023-01-05. Review status: no assertion criteria provided. Collection method: clinical testing. Allele origin: germline.
Comment: This variant is classified as likely benign based on ACMG/AMP sequence variant interpretation guidelines (Richards et al. 2015 PMID: 25741868, with internal and published modifications).